The following is an entry in ClinVar:

NM_001018115.3(FANCD2):c.3565T>A (p.Tyr1189Asn)

Genes: FANCD2 (FA complementation group D2; plus strand), FANCD2OS (FANCD2 opposite strand; minus strand). Cytogenetic location: 3p25.3.
Variant type: single nucleotide variant.
Coding change: c.3565T>A on transcript NM_001018115.3 (MANE Select); coding-DNA position 3565, T replaced by A.
Protein change: p.Tyr1189Asn; replaces tyrosine 1189 with asparagine.
Molecular consequence: missense variant. On other transcripts: intron variant (1).
Genome position (GRCh38, 1-based): chr3:10,088,832, T>A. VCF-style: chr3-10088832-T-A. GRCh37 (hg19) VCF-style: chr3-10130516-T-A.
Other names: c.3565T>A, p.Tyr1189Asn (NM_001319984.2, NM_001374254.1, NM_033084.6); c.3454T>A, p.Tyr1152Asn (NM_001374253.1); c.*44-7301A>T (NM_173472.2); short protein forms Y1189N, Y1152N.
Identifiers: ClinVar variation 1447957 (VCV001447957.8), dbSNP rs1273519317, ClinGen allele CA351753382.

ClinVar aggregate classification (germline): Uncertain significance (1 of 4 stars; one submission).

Conditions:
Fanconi anemia (FA). Also called: Fanconi's anemia. Identifiers: Orphanet 84, MedGen C0015625, MeSH D005199, MONDO:0019391.

Submission:

Labcorp Genetics (formerly Invitae), Labcorp
Classification: Uncertain significance for Fanconi anemia. Last evaluated: 2021-04-14. Review status: criteria provided, single submitter. Criteria: Invitae Variant Classification Sherloc (09022015). Collection method: clinical testing. Allele origin: germline.
Comment: This sequence change replaces tyrosine with asparagine at codon 1189 of the FANCD2 protein (p.Tyr1189Asn). The tyrosine residue is highly conserved and there is a large physicochemical difference between tyrosine and asparagine. This variant is not present in population databases (ExAC no frequency). This variant has not been reported in the literature in individuals with FANCD2-related conditions. Algorithms developed to predict the effect of missense changes on protein structure and function are either unavailable or do not agree on the potential impact of this missense change (SIFT: "Deleterious"; PolyPhen-2: "Probably Damaging"; Align-GVGD: "Class C0"). In summary, the available evidence is currently insufficient to determine the role of this variant in disease. Therefore, it has been classified as a Variant of Uncertain Significance.